The following is an entry in ClinVar:

NM_003072.5(SMARCA4):c.2002-20A>G

Gene: SMARCA4 (SWI/SNF related BAF chromatin remodeling complex subunit ATPase 4; plus strand). Cytogenetic location: 19p13.2.
Variant type: single nucleotide variant.
Coding change: c.2002-20A>G on transcript NM_003072.5 (MANE Select); 20 bases into the intron before coding-DNA position 2002, A replaced by G.
Molecular consequence: intron variant.
Genome position (GRCh38, 1-based): chr19:11,007,882, A>G. VCF-style: chr19-11007882-A-G. GRCh37 (hg19) VCF-style: chr19-11118558-A-G.
Other names: c.2002-20A>G (NM_001128844.3, NM_001128849.3, NM_001128847.4 and 5 more transcripts).
Identifiers: ClinVar variation 1362216 (VCV001362216.7), dbSNP rs369922926, ClinGen allele CA9203983.

ClinVar aggregate classification (germline): Likely benign. Review status: criteria provided, multiple submitters, no conflicts (2 of 4 stars). 2 submissions from 2 submitters: Likely benign (2). Last evaluated 2026-09-30.

Conditions:
Rhabdoid tumor predisposition syndrome 2 (RTPS2). Identifiers: Orphanet 231108, Orphanet 69077, MedGen C2750074, MONDO:0013224, OMIM 613325.

Submissions (2):

Myriad Genetics, Inc.
Classification: Likely benign for Rhabdoid tumor predisposition syndrome 2. Last evaluated: 2026-09-30. Review status: criteria provided, single submitter. Criteria: Myriad Autosomal Dominant, Autosomal Recessive and X-Linked Classification Criteria (2023). Collection method: clinical testing. Allele origin: unknown.
Comment: This variant is considered likely benign. This variant is intronic and is not expected to impact mRNA splicing.

Labcorp Genetics (formerly Invitae), Labcorp
Classification: Likely benign for Rhabdoid tumor predisposition syndrome 2. Last evaluated: 2023-05-14. Review status: criteria provided, single submitter. Criteria: Invitae Variant Classification Sherloc (09022015). Collection method: clinical testing. Allele origin: germline.